The following is an entry in ClinVar:

NM_020778.5(ALPK3):c.316C>T (p.Pro106Ser)

Gene: ALPK3 (alpha kinase 3; plus strand). Cytogenetic location: 15q25.3.
Variant type: single nucleotide variant.
Coding change: c.316C>T on transcript NM_020778.5 (MANE Select); coding-DNA position 316, C replaced by T.
Protein change: p.Pro106Ser; replaces proline 106 with serine.
Molecular consequence: missense variant.
Genome position (GRCh38, 1-based): chr15:84,838,991, C>T. VCF-style: chr15-84838991-C-T. GRCh37 (hg19) VCF-style: chr15-85382222-C-T.
Other names: short protein forms P106S.
Identifiers: ClinVar variation 3902985 (VCV003902985.1).

ClinVar aggregate classification (germline): Uncertain significance (1 of 4 stars; one submission).

Submission:

GeneDx
Classification: Uncertain significance. Last evaluated: 2024-12-11. Review status: criteria provided, single submitter. Criteria: GeneDx Variant Classification Process June 2021. Collection method: clinical testing. Allele origin: germline. Affected: yes.
Comment: Not observed at significant frequency in large population cohorts (gnomAD); In silico analysis supports that this missense variant has a deleterious effect on protein structure/function; Has not been previously published as pathogenic or benign to our knowledge